The following is an entry in ClinVar:

NM_000784.4(CYP27A1):c.1394G>A (p.Gly465Asp)

Gene: CYP27A1 (cytochrome P450 family 27 subfamily A member 1; plus strand). Cytogenetic location: 2q35.
Variant type: single nucleotide variant.
Coding change: c.1394G>A on transcript NM_000784.4 (MANE Select); coding-DNA position 1394, G replaced by A.
Protein change: p.Gly465Asp; replaces glycine 465 with aspartic acid.
Molecular consequence: missense variant.
Genome position (GRCh38, 1-based): chr2:218,814,675, G>A. VCF-style: chr2-218814675-G-A. GRCh37 (hg19) VCF-style: chr2-219679398-G-A.
Other names: short protein forms G465D.
Identifiers: ClinVar variation 1369699 (VCV001369699.5), dbSNP rs777432192, ClinGen allele CA350594821.
Genomic context (GRCh38, chr2:218,814,675, plus strand): 5'-AGCCCCACCGCTGGCTGAGAAACAGCCAGCCTGCTACCCCCAGGATCCAGCACCCATTTG[G>A]CTCTGTGCCCTTTGGCTATGGGGTCCGGGCCTGCCTGGGCCGCAGGATTGCAGAGCTGGA-3'
Protein context (NP_000775.1, residues 455-475): PATPRIQHPF[Gly465Asp]SVPFGYGVRA

ClinVar aggregate classification (germline): Uncertain significance (1 of 4 stars; one submission).

Conditions:
Cholestanol storage disease (CTX). Also called: CEREBRAL CHOLESTERINOSIS; Cerebrotendinous Xanthomatosis; CTX: Cerebrotendinous xanthomatosis. Identifiers: Orphanet 909, MedGen C0238052, MONDO:0008948, OMIM 213700.

Allele frequency attached by ClinVar (database versions not stated): TOPMed below 0.00001.
gnomAD v4.1: 3 of 1,614,118 alleles (0.00019%); highest among the groups gnomAD compares: African/African-American, 0.0013%; no homozygotes.

Submission:

Labcorp Genetics (formerly Invitae), Labcorp
Classification: Uncertain significance for Cholestanol storage disease. Last evaluated: 2022-02-05. Review status: criteria provided, single submitter. Criteria: Invitae Variant Classification Sherloc (09022015). Collection method: clinical testing. Allele origin: germline.
Comment: This sequence change replaces glycine, which is neutral and non-polar, with aspartic acid, which is acidic and polar, at codon 465 of the CYP27A1 protein (p.Gly465Asp). This variant is not present in population databases (gnomAD no frequency). This variant has not been reported in the literature in individuals affected with CYP27A1-related conditions. Advanced modeling of protein sequence and biophysical properties (such as structural, functional, and spatial information, amino acid conservation, physicochemical variation, residue mobility, and thermodynamic stability) performed at Invitae indicates that this missense variant is expected to disrupt CYP27A1 protein function. In summary, the available evidence is currently insufficient to determine the role of this variant in disease. Therefore, it has been classified as a Variant of Uncertain Significance.